The following continues an entry in ClinVar:

NM_007294.4(BRCA1):c.34C>T (p.Gln12Ter)

Gene: BRCA1. ClinVar aggregate classification (germline): Pathogenic. Pathogenic (1).

Submissions 10 to 22 of 22:

Revvity Omics, Revvity
Classification: Pathogenic. Last evaluated: 2022-09-15. Review status: criteria provided, single submitter. Criteria: ACMG Guidelines, 2015. Collection method: clinical testing. Allele origin: germline. Not counted in ClinVar's aggregate classification.

Quest Diagnostics Nichols Institute San Juan Capistrano
Classification: Pathogenic. Last evaluated: 2021-01-15. Review status: criteria provided, single submitter. Criteria: Quest Diagnostics criteria. Collection method: clinical testing. Allele origin: unknown. Not counted in ClinVar's aggregate classification.
Comment: This nonsense variant causes the premature termination of BRCA1 protein synthesis. In addition, it has been reported in individuals affected with breast and/or ovarian cancer in the published literature (PMID: 30702160 (2019), 29470806 (2018), 25777348 (2015), 16615107 (2006), 12491499 (2003)). The frequency of this variant in the general population is consistent with pathogenicity. Therefore, the variant is classified as pathogenic.

Women's Health and Genetics/Laboratory Corporation of America, LabCorp
Classification: Pathogenic for Hereditary breast ovarian cancer syndrome. Last evaluated: 2017-02-13. Review status: criteria provided, single submitter. Criteria: LabCorp Variant Classification Summary - May 2015. Collection method: clinical testing. Allele origin: germline. Not counted in ClinVar's aggregate classification.
Comment: Variant summary: The BRCA1 c.34C>T (p.Gln12X) variant results in a premature termination codon, predicted to cause a truncated or absent BRCA1 protein due to nonsense mediated decay, which are commonly known mechanisms for disease. Truncations downstream of this position have been classified as pathogenic by our laboratory (e.g., c.101delC [Pro34fsX16]). One in silico tool predicts a damaging outcome for this variant (Mutation Taster); other in silico tools were not tested since this is a LoF variant. This variant was found in 1/120998 control chromosomes at a frequency of 0.0000083, which does not exceed the estimated maximal expected allele frequency of a pathogenic BRCA1 variant (0.0010005). In addition, multiple clinical diagnostic laboratories/reputable databases classified this variant as pathogenic. Taken together, this variant is classified as pathogenic.

Consortium of Investigators of Modifiers of BRCA1/2 (CIMBA), c/o University of Cambridge
Classification: Pathogenic for Breast-ovarian cancer, familial, susceptibility to, 1. Last evaluated: 2015-10-02. Review status: criteria provided, single submitter. Criteria: CIMBA Mutation Classification guidelines May 2016. Collection method: clinical testing. Allele origin: germline. Not counted in ClinVar's aggregate classification.

Fulgent Genetics
Classification: Pathogenic for Breast-ovarian cancer, familial, susceptibility to, 1. Last evaluated: 2015-09-24. Review status: criteria provided, single submitter. Criteria: ACMG Guidelines, 2015. Collection method: clinical testing. Allele origin: unknown. Inheritance: Autosomal dominant inheritance. Not counted in ClinVar's aggregate classification.

Molecular Endocrinology Laboratory, Christian Medical College
Classification: Pathogenic for Breast-ovarian cancer, familial, susceptibility to, 1. Review status: criteria provided, single submitter. Criteria: ACMG Guidelines, 2015. Collection method: clinical testing. Allele origin: germline. Affected: yes. Not counted in ClinVar's aggregate classification.

German Consortium for Hereditary Breast and Ovarian Cancer, University Hospital Cologne
Classification: Pathogenic for Ovarian neoplasm. Last evaluated: 2018-12-01. Review status: no assertion criteria provided. Collection method: research. Allele origin: germline. Affected: yes. Not counted in ClinVar's aggregate classification.

Research Molecular Genetics Laboratory, Women's College Hospital, University of Toronto
Classification: Pathogenic for Hereditary breast ovarian cancer syndrome. Last evaluated: 2014-01-31. Review status: no assertion criteria provided. Collection method: research. Allele origin: germline. Affected: yes. Study: The Canadian Open Genetics Repository (COGR). Not counted in ClinVar's aggregate classification.

Breast Cancer Information Core (BIC) (BRCA1)
Classification: Pathogenic for Breast-ovarian cancer, familial 1. Last evaluated: 2002-05-29. Review status: no assertion criteria provided. Collection method: clinical testing. Allele origin: germline. Affected: yes. Observed: 13 variant alleles. Not counted in ClinVar's aggregate classification.

Brotman Baty Institute, University of Washington
No classification provided (evidence only). Condition: Breast-ovarian cancer, familial 1. Review status: no classification provided. Collection method: in vitro. Allele origin: not applicable. Functional consequence: functionally_abnormal. Not counted in ClinVar's aggregate classification.
ClinVar note: "not provided" was previously submitted as the classification for the variant. However, the classification appeared to be based only on an observation of functional data so it was converted to no classification on 2025-07-30.

Clinical Genetics Laboratory, Department of Pathology, Netherlands Cancer Institute
Classification: Pathogenic. Review status: no assertion criteria provided. Collection method: clinical testing. Allele origin: germline. Affected: yes. Study: VKGL Data-share Consensus. Not counted in ClinVar's aggregate classification.

Diagnostic Laboratory, Department of Genetics, University Medical Center Groningen
Classification: Pathogenic. Review status: no assertion criteria provided. Collection method: clinical testing. Allele origin: germline. Affected: yes. Study: VKGL Data-share Consensus. Not counted in ClinVar's aggregate classification.

Joint Genome Diagnostic Labs from Nijmegen and Maastricht, Radboudumc and MUMC+
Classification: Pathogenic. Review status: no assertion criteria provided. Collection method: clinical testing. Allele origin: germline. Affected: yes. Study: VKGL Data-share Consensus. Not counted in ClinVar's aggregate classification.

Literature cited by the submitters: PubMed 12491499 (cited by 6 submitters); PubMed 16615107 (cited by 5 submitters); PubMed 24504028 (cited by 4 submitters); PubMed 25823446 (cited by 3 submitters); PubMed 28477318 (cited by 4 submitters); PubMed 29446198 (cited by Ambry Genetics); PubMed 29470806 (cited by 5 submitters); PubMed 30702160 (cited by Ambry Genetics and Quest Diagnostics Nichols Institute San Juan Capistrano); PubMed 20104584 (cited by Labcorp Genetics (formerly Invitae), Labcorp); PubMed 12672316 (cited by 4 submitters); PubMed 25777348 (cited by Labcorp Genetics (formerly Invitae), Labcorp and Quest Diagnostics Nichols Institute San Juan Capistrano); PubMed 12097257 (cited by 3 submitters); PubMed 26187060 (cited by 3 submitters); PubMed 30209399 (cited by All of Us Research Program, National Institutes of Health and Color Diagnostics, LLC DBA Color Health); PubMed 35659930 (cited by All of Us Research Program, National Institutes of Health and Color Diagnostics, LLC DBA Color Health); PubMed 26295337 (cited by Quest Diagnostics Nichols Institute San Juan Capistrano); PubMed 16644204 (cited by Women's Health and Genetics/Laboratory Corporation of America, LabCorp); PubMed 16777318 (cited by Women's Health and Genetics/Laboratory Corporation of America, LabCorp and Molecular Endocrinology Laboratory, Christian Medical College).